The following is an entry in ClinVar:

NM_182914.3(SYNE2):c.10051G>C (p.Glu3351Gln)

Gene: SYNE2 (spectrin repeat containing nuclear envelope protein 2; plus strand). Cytogenetic location: 14q23.2.
Variant type: single nucleotide variant.
Coding change: c.10051G>C on transcript NM_182914.3 (MANE Select); coding-DNA position 10051, G replaced by C.
Protein change: p.Glu3351Gln; replaces glutamic acid 3351 with glutamine.
Molecular consequence: missense variant.
Genome position (GRCh38, 1-based): chr14:64,056,250, G>C. VCF-style: chr14-64056250-G-C. GRCh37 (hg19) VCF-style: chr14-64522968-G-C.
Other names: c.10051G>C, p.Glu3351Gln (NM_015180.6); c.10051G>C (NM_182914.2); short protein forms E3351Q.
Identifiers: ClinVar variation 1423855 (VCV001423855.7), dbSNP rs750654159, ClinGen allele CA7221397.

ClinVar aggregate classification (germline): Uncertain significance. Review status: criteria provided, multiple submitters, no conflicts (2 of 4 stars). 2 submissions from 2 submitters: Uncertain significance (2). Last evaluated 2024-11-13.

Conditions:
Emery-Dreifuss muscular dystrophy 5, autosomal dominant (EDMD5). Also called: EMERY-DREIFUSS MUSCULAR DYSTROPHY 5. Identifiers: Orphanet 261, MedGen C2751805, MONDO:0013072, OMIM 612999.

Allele frequency attached by ClinVar (database versions not stated): gnomAD exomes 0.00001 and 0.00002; ExAC 0.00002; gnomAD 0.00005 and 0.00006; TOPMed 0.00014.
gnomAD v4.1: 19 of 1,613,916 alleles (0.0012%); highest among the groups gnomAD compares: African/African-American, 0.017%; no homozygotes.

Submissions (2):

Ambry Genetics
Classification: Uncertain significance. Last evaluated: 2024-11-13. Review status: criteria provided, single submitter. Criteria: Ambry Variant Classification Scheme 2023. Collection method: clinical testing. Allele origin: germline.

Labcorp Genetics (formerly Invitae), Labcorp
Classification: Uncertain significance for Emery-Dreifuss muscular dystrophy 5, autosomal dominant. Last evaluated: 2023-10-13. Review status: criteria provided, single submitter. Criteria: Invitae Variant Classification Sherloc (09022015). Collection method: clinical testing. Allele origin: germline.
Comment: This sequence change replaces glutamic acid, which is acidic and polar, with glutamine, which is neutral and polar, at codon 3351 of the SYNE2 protein (p.Glu3351Gln). This variant is present in population databases (rs750654159, gnomAD 0.03%). This variant has not been reported in the literature in individuals affected with SYNE2-related conditions. ClinVar contains an entry for this variant (Variation ID: 1423855). Algorithms developed to predict the effect of missense changes on protein structure and function output the following: SIFT: "Not Available"; PolyPhen-2: "Benign"; Align-GVGD: "Not Available". The glutamine amino acid residue is found in multiple mammalian species, which suggests that this missense change does not adversely affect protein function. In summary, the available evidence is currently insufficient to determine the role of this variant in disease. Therefore, it has been classified as a Variant of Uncertain Significance.